The following is an entry in ClinVar:

ClinVar aggregate classification (germline): Likely pathogenic (1 of 4 stars; one submission).

Conditions:
Dilated cardiomyopathy 1G (CMD1G). Identifiers: Orphanet 154, MedGen C1858763, MONDO:0011400, OMIM 604145.
Autosomal recessive limb-girdle muscular dystrophy type 2J (LGMDR10). Also called: Limb-girdle muscular dystrophy, type 2J; MUSCULAR DYSTROPHY, LIMB-GIRDLE, AUTOSOMAL RECESSIVE 10. Identifiers: Orphanet 140922, MedGen C1837342, MONDO:0012127, OMIM 608807.

gnomAD v4.1: 2 of 1,614,116 alleles (0.00012%); highest among the groups gnomAD compares: Non-Finnish European, 0.00017%; no homozygotes.

Submission:

Labcorp Genetics (formerly Invitae), Labcorp
Classification: Likely pathogenic for Dilated cardiomyopathy 1G; Autosomal recessive limb-girdle muscular dystrophy type 2J. Last evaluated: 2024-10-28. Review status: criteria provided, single submitter. Criteria: Invitae Variant Classification Sherloc (09022015). Collection method: clinical testing. Allele origin: germline.
Comment: This sequence change creates a premature translational stop signal (p.Cys1724*) in the TTN gene. While this is not anticipated to result in nonsense mediated decay, it is expected to create a truncated TTN protein. This variant is not present in population databases (gnomAD no frequency). This variant has not been reported in the literature in individuals affected with TTN-related conditions. ClinVar contains an entry for this variant (Variation ID: 1423531). This variant is located in the Z band of TTN (PMID: 25589632). Truncating variants in this region have been reported in individuals affected with autosomal recessive centronuclear myopathy (PMID: 33449170, internal data). Truncating variants in this region have also been identified in individuals affected with autosomal dominant dilated cardiomyopathy and/or cardio-related conditions (PMID: 27869827, 32964742, internal data). In summary, the currently available evidence indicates that the variant is pathogenic, but additional data are needed to prove that conclusively. Therefore, this variant has been classified as Likely Pathogenic.

Literature cited by the submitters: PubMed 25589632; PubMed 33449170; PubMed 27869827; PubMed 32964742.

NM_001267550.2(TTN):c.5172C>A (p.Cys1724Ter)

Gene: TTN (titin; minus strand). Cytogenetic location: 2q31.2.
Variant type: single nucleotide variant.
Coding change: c.5172C>A on transcript NM_001267550.2 (MANE Select); coding-DNA position 5172, C replaced by A.
Protein change: p.Cys1724Ter; replaces cysteine 1724 with a stop codon.
Molecular consequence: nonsense.
Genome position (GRCh38, 1-based): chr2:178,776,692, G>T on the plus strand (C>A on the coding strand, the complement: TTN is on the minus strand). VCF-style: chr2-178776692-G-T. GRCh37 (hg19) VCF-style: chr2-179641419-G-T.
Other names: c.5172C>A, p.Cys1724Ter (NM_001256850.1, NM_133378.4, NM_133379.5); c.5034C>A, p.Cys1678Ter (NM_003319.4, NM_133432.3, NM_133437.4); short protein forms C1678*, C1724*.
Identifiers: ClinVar variation 1423531 (VCV001423531.8), dbSNP rs2154346258, ClinGen allele CA349455554.
Genomic context (GRCh38, chr2:178,776,692, plus strand): 5'-TGGCTTTCCATCATGGAGCCACTCCACCACCATCGTTGGGTCACCAATGGGTGTTAGCCT[G>T]CATTCAAAGTGGGCAGGCCCAAAGCGCTTAAGTCTTAAGGAAGTGAGTTTTTTCTTGAAA-3'